The following is an entry in ClinVar:

ClinVar aggregate classification (germline): Uncertain significance (1 of 4 stars; one submission).

Submission:

Labcorp Genetics (formerly Invitae), Labcorp
Classification: Uncertain significance. Last evaluated: 2025-08-20. Review status: criteria provided, single submitter. Criteria: Invitae Variant Classification Sherloc (09022015). Collection method: clinical testing. Allele origin: germline.
Comment: This sequence change replaces lysine, which is basic and polar, with isoleucine, which is neutral and non-polar, at codon 467 of the ASNS protein (p.Lys467Ile). This variant is not present in population databases (gnomAD no frequency). This variant has not been reported in the literature in individuals affected with ASNS-related conditions. Invitae Evidence Modeling of protein sequence and biophysical properties (such as structural, functional, and spatial information, amino acid conservation, physicochemical variation, residue mobility, and thermodynamic stability) indicates that this missense variant is expected to disrupt ASNS protein function with a positive predictive value of 80%. In summary, the available evidence is currently insufficient to determine the role of this variant in disease. Therefore, it has been classified as a Variant of Uncertain Significance.

NM_001673.5(ASNS):c.1400A>T (p.Lys467Ile)

Genes: ASNS (asparagine synthetase (glutamine-hydrolyzing); minus strand), CZ1P-ASNS (CZ1P-ASNS readthrough; minus strand). Cytogenetic location: 7q21.3.
Variant type: single nucleotide variant.
Coding change: c.1400A>T on transcript NM_001673.5 (MANE Select); coding-DNA position 1400, A replaced by T.
Protein change: p.Lys467Ile; replaces lysine 467 with isoleucine.
Molecular consequence: missense variant. On other transcripts: non-coding transcript variant (1).
Genome position (GRCh38, 1-based): chr7:97,853,136, T>A on the plus strand (A>T on the coding strand, the complement: ASNS is on the minus strand). VCF-style: chr7-97853136-T-A. GRCh37 (hg19) VCF-style: chr7-97482448-T-A.
Other names: c.1337A>T, p.Lys446Ile (NM_001178075.2); c.1151A>T, p.Lys384Ile (NM_001178076.2, NM_001178077.1); c.1400A>T, p.Lys467Ile (NM_001352496.2, NM_133436.3, NM_183356.4); short protein forms K384I, K467I, K446I.
Identifiers: ClinVar variation 4743398 (VCV004743398.1).